The following is an entry in ClinVar:

NM_006180.6(NTRK2):c.674T>C (p.Val225Ala)

Gene: NTRK2 (neurotrophic receptor tyrosine kinase 2; plus strand). Cytogenetic location: 9q21.33.
Variant type: single nucleotide variant.
Coding change: c.674T>C on transcript NM_006180.6 (MANE Select); coding-DNA position 674, T replaced by C.
Protein change: p.Val225Ala; replaces valine 225 with alanine.
Molecular consequence: missense variant.
Genome position (GRCh38, 1-based): chr9:84,723,663, T>C. VCF-style: chr9-84723663-T-C. GRCh37 (hg19) VCF-style: chr9-87338578-T-C.
Other names: c.674T>C, p.Val225Ala (NM_001018065.2, NM_001018066.3, NM_001291937.2 and 18 more transcripts); c.206T>C, p.Val69Ala (NM_001369535.1, NM_001369536.1, NM_001369550.1 and 2 more transcripts); short protein forms V69A, V225A.
Identifiers: ClinVar variation 3686031 (VCV003686031.2).

ClinVar aggregate classification (germline): Uncertain significance (1 of 4 stars; one submission).

gnomAD v4.1: 1 of 1,614,130 alleles (0.000062%); highest among the groups gnomAD compares: South Asian, 0.0011%; no homozygotes.

Submission:

Labcorp Genetics (formerly Invitae), Labcorp
Classification: Uncertain significance. Last evaluated: 2024-08-22. Review status: criteria provided, single submitter. Criteria: Invitae Variant Classification Sherloc (09022015). Collection method: clinical testing. Allele origin: germline.
Comment: This sequence change replaces valine, which is neutral and non-polar, with alanine, which is neutral and non-polar, at codon 225 of the NTRK2 protein (p.Val225Ala). This variant is not present in population databases (gnomAD no frequency). This variant has not been reported in the literature in individuals affected with NTRK2-related conditions. Invitae Evidence Modeling of protein sequence and biophysical properties (such as structural, functional, and spatial information, amino acid conservation, physicochemical variation, residue mobility, and thermodynamic stability) indicates that this missense variant is not expected to disrupt NTRK2 protein function with a negative predictive value of 80%. In summary, the available evidence is currently insufficient to determine the role of this variant in disease. Therefore, it has been classified as a Variant of Uncertain Significance.